The following is an entry in ClinVar:

ClinVar aggregate classification (germline): Benign. Review status: criteria provided, multiple submitters, no conflicts (2 of 4 stars). 3 submissions from 3 submitters: Benign (2). 1 of the submissions does not count toward it. Last evaluated 2019-12-31.

Conditions:
MYO16-related disorder. Also called: MYO16-related condition.

Allele frequency attached by ClinVar (database versions not stated): gnomAD exomes 0.00076 and 0.00213; ExAC 0.00274; gnomAD 0.00763 and 0.00813; TOPMed 0.00903; ESP Exome Variant Server 0.00907; 1000 Genomes Project 0.01078; 1000 Genomes Project 30x 0.01140.
gnomAD v4.1: 2,322 of 1,613,994 alleles (0.14%); highest among the groups gnomAD compares: African/African-American, 2.6%; 28 homozygotes.

Submissions (3):

Labcorp Genetics (formerly Invitae), Labcorp
Classification: Benign. Last evaluated: 2019-12-31. Review status: criteria provided, single submitter. Criteria: Invitae Variant Classification Sherloc (09022015). Collection method: clinical testing. Allele origin: germline.

Breakthrough Genomics
Classification: Benign. Review status: criteria provided, single submitter. Criteria: ACMG Guidelines, 2015. Collection method: not provided. Allele origin: germline. Inheritance: Unknown mechanism. Affected: yes.

PreventionGenetics, part of Exact Sciences
Classification: Benign for MYO16-related condition. Last evaluated: 2019-02-19. Review status: no assertion criteria provided. Collection method: clinical testing. Allele origin: germline. Not counted in ClinVar's aggregate classification.
Comment: This variant is classified as benign based on ACMG/AMP sequence variant interpretation guidelines (Richards et al. 2015 PMID: 25741868, with internal and published modifications).

NM_001198950.3(MYO16):c.54T>C (p.Phe18=)

Gene: MYO16 (myosin XVI; plus strand). Cytogenetic location: 13q33.3.
Variant type: single nucleotide variant.
Coding change: c.54T>C on transcript NM_001198950.3 (MANE Select); coding-DNA position 54, T replaced by C.
Protein change: p.Phe18=; no amino-acid change (phenylalanine 18 retained).
Molecular consequence: synonymous variant. On other transcripts: 5 prime UTR variant (1).
Genome position (GRCh38, 1-based): chr13:108,665,911, T>C. VCF-style: chr13-108665911-T-C. GRCh37 (hg19) VCF-style: chr13-109318259-T-C.
Other names: c.-13T>C (NM_015011.3).
Identifiers: ClinVar variation 791327 (VCV000791327.7), dbSNP rs138343083, ClinGen allele CA7044295.